The following is an entry in ClinVar:

NM_001164665.2(KIAA1549):c.3317G>T (p.Arg1106Leu)

Gene: KIAA1549 (KIAA1549; minus strand). Cytogenetic location: 7q34.
Variant type: single nucleotide variant.
Coding change: c.3317G>T on transcript NM_001164665.2 (MANE Select); coding-DNA position 3317, G replaced by T.
Protein change: p.Arg1106Leu; replaces arginine 1106 with leucine.
Molecular consequence: missense variant.
Genome position (GRCh38, 1-based): chr7:138,907,062, C>A on the plus strand (G>T on the coding strand, the complement: KIAA1549 is on the minus strand). VCF-style: chr7-138907062-C-A. GRCh37 (hg19) VCF-style: chr7-138591808-C-A.
Other names: c.3317G>T, p.Arg1106Leu (NM_020910.3); short protein forms R1106L.
Identifiers: ClinVar variation 1036019 (VCV001036019.9), dbSNP rs200423257, ClinGen allele CA4506245.
Genomic context (GRCh38, chr7:138,907,062, plus strand): 5'-GACCCATTCAAAAATCCCTGTGTGCTTTTAACCGCAAAGATGATATTCACCGGGCCCCGC[C>A]GAGGAGTCACCCTTGAGGAACTGATGGTGATATTCAAGATCTGAAAGAATAAAGTCAGAA-3'
Protein context (NP_001158137.1, residues 1096-1116): ITISSSRVTP[Arg1106Leu]RGPVNIIFAV

ClinVar aggregate classification (germline): Uncertain significance. Review status: criteria provided, multiple submitters, no conflicts (2 of 4 stars). 3 submissions from 3 submitters: Uncertain significance (3). Last evaluated 2023-10-01.

Conditions:
Retinal dystrophy. Also called: Inherited retinal dystrophy. Identifiers: Orphanet 71862, MedGen C0854723, MeSH D058499, MONDO:0019118, HP:0000556.

Allele frequency attached by ClinVar (database versions not stated): TOPMed 0.00002.
gnomAD v4.1: 19 of 1,611,070 alleles (0.0012%); highest among the groups gnomAD compares: East Asian, 0.04%; no homozygotes.

Submissions (3):

Dept Of Ophthalmology, Nagoya University
Classification: Uncertain significance for Retinal dystrophy. Last evaluated: 2023-10-01. Review status: criteria provided, single submitter. Criteria: Submitter's publication. Collection method: research. Allele origin: germline. Affected: yes.

Blueprint Genetics
Classification: Uncertain significance. Last evaluated: 2022-11-09. Review status: criteria provided, single submitter. Criteria: ACMG Guidelines, 2015. Collection method: clinical testing. Allele origin: germline.

Labcorp Genetics (formerly Invitae), Labcorp
Classification: Uncertain significance. Last evaluated: 2020-10-07. Review status: criteria provided, single submitter. Criteria: Invitae Variant Classification Sherloc (09022015). Collection method: clinical testing. Allele origin: germline.
Comment: This variant is present in population databases (rs200423257, ExAC 0.08%). This sequence change replaces arginine with leucine at codon 1106 of the KIAA1549 protein (p.Arg1106Leu). The arginine residue is highly conserved and there is a moderate physicochemical difference between arginine and leucine. This variant has not been reported in the literature in individuals with KIAA1549-related conditions. Algorithms developed to predict the effect of missense changes on protein structure and function are either unavailable or do not agree on the potential impact of this missense change (SIFT: "Deleterious"; PolyPhen-2: "Probably Damaging"; Align-GVGD: "Class C0"). In summary, the available evidence is currently insufficient to determine the role of this variant in disease. Therefore, it has been classified as a Variant of Uncertain Significance.